The following is an entry in ClinVar:

NM_000179.3(MSH6):c.192G>A (p.Ala64=)

Gene: MSH6 (mutS homolog 6; plus strand). Cytogenetic location: 2p16.3.
Variant type: single nucleotide variant.
Coding change: c.192G>A on transcript NM_000179.3 (MANE Select); coding-DNA position 192, G replaced by A.
Protein change: p.Ala64=; no amino-acid change (alanine 64 retained).
Molecular consequence: synonymous variant. On other transcripts: 5 prime UTR variant (7), missense variant (1), non-coding transcript variant (5), intron variant (5).
Genome position (GRCh38, 1-based): chr2:47,783,425, G>A. VCF-style: chr2-47783425-G-A. GRCh37 (hg19) VCF-style: chr2-48010564-G-A.
Other names: c.192G>A, p.Ala64= (NM_001281492.2, NM_001406795.1, NM_001406796.1 and 9 more transcripts); c.-545G>A (NM_001281493.2, NM_001406811.1); c.-137G>A (NM_001406799.1); c.137G>A, p.Arg46His (NM_001406804.1); c.-737G>A (NM_001406807.1); c.-392G>A (NM_001406812.1); c.-803G>A (NM_001406814.1); c.-348G>A (NM_001406816.1); and 3 more; short protein forms R46H.
Identifiers: ClinVar variation 2106493 (VCV002106493.6), dbSNP rs786203178, ClinGen allele CA426120762.

ClinVar aggregate classification (germline): Benign/Likely benign. Review status: criteria provided, multiple submitters, no conflicts (2 of 4 stars). 3 submissions from 3 submitters: Benign (1); Likely benign (2). Last evaluated 2024-12-17.

Conditions:
Lynch syndrome 5 (LYNCH5). Also called: Hereditary non-polyposis colorectal cancer, type 5; Colorectal cancer, hereditary nonpolyposis, type 5. Identifiers: Orphanet 144, MedGen C1833477, MONDO:0013710, OMIM 614350. Disease mechanism: loss of function.
Hereditary nonpolyposis colorectal neoplasms. Identifiers: MedGen C0009405, MeSH D003123.
Hereditary cancer-predisposing syndrome. Also called: Neoplastic Syndromes, Hereditary; Hereditary Cancer Syndrome; Hereditary neoplastic syndrome; Tumor predisposition. Identifiers: Orphanet 140162, MedGen C0027672, MeSH D009386, MONDO:0015356.

gnomAD v4.1: 1 of 1,507,464 alleles (0.000066%); highest among the groups gnomAD compares: East Asian, 0.0026%; no homozygotes.

Submissions (3):

Myriad Genetics, Inc.
Classification: Benign for Lynch syndrome 5. Last evaluated: 2024-12-17. Review status: criteria provided, single submitter. Criteria: Myriad Autosomal Dominant, Autosomal Recessive and X-Linked Classification Criteria (2023). Collection method: clinical testing. Allele origin: unknown.
Comment: This variant is considered benign. This variant is a silent/synonymous amino acid change and it is not expected to impact splicing.

Ambry Genetics
Classification: Likely benign for Hereditary cancer-predisposing syndrome. Last evaluated: 2024-07-30. Review status: criteria provided, single submitter. Criteria: Ambry Variant Classification Scheme 2023. Collection method: clinical testing. Allele origin: germline.

Labcorp Genetics (formerly Invitae), Labcorp
Classification: Likely benign for Hereditary nonpolyposis colorectal neoplasms. Last evaluated: 2023-10-17. Review status: criteria provided, single submitter. Criteria: Invitae Variant Classification Sherloc (09022015). Collection method: clinical testing. Allele origin: germline.